The following is an entry in ClinVar:

ClinVar aggregate classification (germline): Pathogenic/Likely pathogenic. Review status: criteria provided, multiple submitters, no conflicts (2 of 4 stars). 2 submissions from 2 submitters: Pathogenic (1); Likely pathogenic (1). Last evaluated 2024-02-23.

Conditions:
RS1-related disorder. Also called: RS1-related condition.

Submissions (3):

Labcorp Genetics (formerly Invitae), Labcorp
Classification: Likely pathogenic. Last evaluated: 2024-02-23. Review status: criteria provided, single submitter. Criteria: Invitae Variant Classification Sherloc (09022015). Collection method: clinical testing. Allele origin: germline.
Comment: This sequence change replaces glycine, which is neutral and non-polar, with valine, which is neutral and non-polar, at codon 109 of the RS1 protein (p.Gly109Val). This variant also falls at the last nucleotide of exon 4, which is part of the consensus splice site for this exon. This variant is not present in population databases (gnomAD no frequency). This missense change has been observed in individual(s) with retinoschisis (PMID: 34645606; Invitae). ClinVar contains an entry for this variant (Variation ID: 2108503). An algorithm developed to predict the effect of missense changes on protein structure and function (PolyPhen-2) suggests that this variant is likely to be disruptive. Variants that disrupt the consensus splice site are a relatively common cause of aberrant splicing (PMID: 17576681, 9536098). This variant disrupts the c.326G nucleotide in the RS1 gene. Other variant(s) that disrupt this nucleotide have been determined to be pathogenic (PMID: 28348004, 30652005; Invitae). This suggests that this nucleotide is clinically significant, and that variants that disrupt this position are likely to be disease-causing. In summary, the currently available evidence indicates that the variant is pathogenic, but additional data are needed to prove that conclusively. Therefore, this variant has been classified as Likely Pathogenic.

Blueprint Genetics
Classification: Pathogenic for RS1-related disorders. Last evaluated: 2022-02-12. Review status: criteria provided, single submitter. Criteria: ACMG Guidelines, 2015. Collection method: clinical testing. Allele origin: germline. Affected: yes. Observed: 1 variant allele.

Dr. Peter K. Rogan Lab, Western University
No classification provided (evidence only). Condition: Nonpapillary renal cell carcinoma. Review status: no classification provided. Collection method: in vitro. Allele origin: not applicable. Functional consequence: retained intron. Not counted in ClinVar's aggregate classification.

Literature cited by the submitters: PubMed 34645606 (cited by Labcorp Genetics (formerly Invitae), Labcorp); PubMed 17576681 (cited by Labcorp Genetics (formerly Invitae), Labcorp); PubMed 9536098 (cited by Labcorp Genetics (formerly Invitae), Labcorp); PubMed 28348004 (cited by Labcorp Genetics (formerly Invitae), Labcorp); PubMed 30652005 (cited by Labcorp Genetics (formerly Invitae), Labcorp).

NM_000330.4(RS1):c.326G>T (p.Gly109Val)

Genes: CDKL5 (cyclin dependent kinase like 5; plus strand), RS1 (retinoschisin 1; minus strand). Cytogenetic location: Xp22.13.
Variant type: single nucleotide variant.
Coding change: c.326G>T on transcript NM_000330.4 (MANE Select); coding-DNA position 326, G replaced by T.
Protein change: p.Gly109Val; replaces glycine 109 with valine.
Molecular consequence: missense variant. On other transcripts: intron variant (2).
Genome position (GRCh38, 1-based): chrX:18,647,191, C>A on the plus strand (G>T on the coding strand, the complement: RS1 is on the minus strand). VCF-style: chrX-18647191-C-A. GRCh37 (hg19) VCF-style: chrX-18665311-C-A.
Other names: c.2797+1101C>A (NM_003159.3, NM_001037343.2); short protein forms G109V.
Identifiers: ClinVar variation 2108503 (VCV002108503.6), dbSNP rs281865345, ClinGen allele CA412372638.